The following is an entry in ClinVar:

NM_000540.3(RYR1):c.14935C>T (p.His4979Tyr)

Gene: RYR1 (ryanodine receptor 1; plus strand). Cytogenetic location: 19q13.2.
Variant type: single nucleotide variant.
Coding change: c.14935C>T on transcript NM_000540.3 (MANE Select); coding-DNA position 14935, C replaced by T.
Protein change: p.His4979Tyr; replaces histidine 4979 with tyrosine.
Molecular consequence: missense variant.
Genome position (GRCh38, 1-based): chr19:38,586,157, C>T. VCF-style: chr19-38586157-C-T. GRCh37 (hg19) VCF-style: chr19-39076797-C-T.
Other names: c.14920C>T, p.His4974Tyr (NM_001042723.2); short protein forms H4974Y, H4979Y.
Identifiers: ClinVar variation 3385637 (VCV003385637.1).

ClinVar aggregate classification (germline): Uncertain significance (1 of 4 stars; one submission).

Conditions:
Malignant hyperthermia, susceptibility to, 1 (MHS1). Also called: Anesthesia related hyperthermia; Malignant hyperpyrexia; Fulminating hyperpyrexia; Pharmacogenic myopathy; Malignant hyperthermia suceptibility 1; RYR1-Related Malignant Hyperthermia Susceptibility. Identifiers: Orphanet 423, MedGen C2930980, MONDO:0007783, OMIM 145600.

gnomAD v4.1: 1 of 1,613,948 alleles (0.000062%); highest among the groups gnomAD compares: Non-Finnish European, 0.000085%; no homozygotes.

Submission:

All of Us Research Program, National Institutes of Health
Classification: Uncertain significance for Malignant hyperthermia, susceptibility to, 1. Last evaluated: 2024-04-16. Review status: criteria provided, single submitter. Criteria: ACMG Guidelines, 2015. Collection method: clinical testing. Allele origin: germline. Inheritance: Autosomal dominant inheritance. Observed: 1 variant allele, 1 heterozygote.
Comment: This missense variant replaces histidine with tyrosine at codon 4979 of the RYR1 protein. Computational prediction suggests that this variant may have deleterious impact on protein structure and function (internally defined REVEL score threshold >= 0.7, PMID: 27666373). To our knowledge, functional studies have not been reported for this variant. This variant has not been reported in individuals affected with RYR1-related disorders in the literature. This variant has not been identified in the general population by the Genome Aggregation Database (gnomAD). The available evidence is insufficient to determine the role of this variant in disease conclusively. Therefore, this variant is classified as a Variant of Uncertain Significance.

This study involves interpretation of variants in research participants for the purpose of population health screening. Participant phenotype was not available at the time of variant classification. Additional details can be found in publication PMID: 35346344, PMCID: PMC8962531